The following is an entry in ClinVar:

NM_014003.4(DHX38):c.1207G>A (p.Ala403Thr)

Gene: DHX38 (DEAH-box helicase 38; plus strand). Cytogenetic location: 16q22.2.
Variant type: single nucleotide variant.
Coding change: c.1207G>A on transcript NM_014003.4 (MANE Select); coding-DNA position 1207, G replaced by A.
Protein change: p.Ala403Thr; replaces alanine 403 with threonine.
Molecular consequence: missense variant.
Genome position (GRCh38, 1-based): chr16:72,100,526, G>A. VCF-style: chr16-72100526-G-A. GRCh37 (hg19) VCF-style: chr16-72134425-G-A.
Other names: short protein forms A403T.
Identifiers: ClinVar variation 855018 (VCV000855018.12), dbSNP rs771844746, ClinGen allele CA8160245.

ClinVar aggregate classification (germline): Uncertain significance. Review status: criteria provided, multiple submitters, no conflicts (2 of 4 stars). 4 submissions from 4 submitters: Uncertain significance (4). Last evaluated 2025-06-22.

Conditions:
Retinal dystrophy. Also called: Inherited retinal dystrophy. Identifiers: Orphanet 71862, MedGen C0854723, MeSH D058499, MONDO:0019118, HP:0000556.

Allele frequency attached by ClinVar (database versions not stated): ExAC 0.00001; gnomAD exomes 0.00001 and 0.00002; TOPMed 0.00001.

Submissions (4):

Ambry Genetics
Classification: Uncertain significance. Last evaluated: 2025-06-22. Review status: criteria provided, single submitter. Criteria: Ambry Variant Classification Scheme 2023. Collection method: clinical testing. Allele origin: germline.

Labcorp Genetics (formerly Invitae), Labcorp
Classification: Uncertain significance. Last evaluated: 2024-12-16. Review status: criteria provided, single submitter. Criteria: Invitae Variant Classification Sherloc (09022015). Collection method: clinical testing. Allele origin: germline.
Comment: This sequence change replaces alanine, which is neutral and non-polar, with threonine, which is neutral and polar, at codon 403 of the DHX38 protein (p.Ala403Thr). This variant is present in population databases (rs771844746, gnomAD 0.03%). This variant has not been reported in the literature in individuals affected with DHX38-related conditions. ClinVar contains an entry for this variant (Variation ID: 855018). Invitae Evidence Modeling of protein sequence and biophysical properties (such as structural, functional, and spatial information, amino acid conservation, physicochemical variation, residue mobility, and thermodynamic stability) indicates that this missense variant is not expected to disrupt DHX38 protein function with a negative predictive value of 80%. In summary, the available evidence is currently insufficient to determine the role of this variant in disease. Therefore, it has been classified as a Variant of Uncertain Significance.

Dept Of Ophthalmology, Nagoya University
Classification: Uncertain significance for Retinal dystrophy. Last evaluated: 2023-10-01. Review status: criteria provided, single submitter. Criteria: Submitter's publication. Collection method: research. Allele origin: germline. Affected: yes.

Blueprint Genetics
Classification: Uncertain significance. Last evaluated: 2022-06-02. Review status: criteria provided, single submitter. Criteria: ACMG Guidelines, 2015. Collection method: clinical testing. Allele origin: germline.